The following is an entry in ClinVar:

ClinVar aggregate classification (germline): Conflicting classifications of pathogenicity. Review status: criteria provided, conflicting classifications (1 of 4 stars). 5 submissions from 5 submitters: Uncertain significance (2); Likely benign (2). 1 of the submissions does not count toward it. Last evaluated 2025-08-12.

Conditions:
Hereditary cancer-predisposing syndrome. Also called: Tumor predisposition; Neoplastic Syndromes, Hereditary; Hereditary neoplastic syndrome; Hereditary Cancer Syndrome. Identifiers: Orphanet 140162, MedGen C0027672, MeSH D009386, MONDO:0015356.
Hereditary breast ovarian cancer syndrome. Also called: Hereditary breast and ovarian cancer; Hereditary breast and ovarian cancer syndrome (HBOC); Hereditary breast and/or ovarian cancer syndrome; Breast and ovarian cancer; Hereditary breast and ovarian cancer syndrome; BRCA1- and BRCA2-Associated Hereditary Breast and Ovarian Cancer. Identifiers: Orphanet 145, MedGen C0677776, MeSH D061325, MONDO:0003582. Disease mechanism: loss of function.
Breast-ovarian cancer, familial, susceptibility to, 2 (BROVCA2). Also called: BRCA2 Hereditary Breast and Ovarian Cancer. Identifiers: Orphanet 145, MedGen C2675520, MONDO:0012933, OMIM 612555. Disease mechanism: loss of function.

Allele frequency attached by ClinVar (database versions not stated): TOPMed below 0.00001.

Submissions (5):

Color Diagnostics, LLC DBA Color Health
Classification: Likely benign for Hereditary cancer-predisposing syndrome. Last evaluated: 2025-08-12. Review status: criteria provided, single submitter. Criteria: ACMG Guidelines, 2015. Collection method: clinical testing. Allele origin: germline.

Labcorp Genetics (formerly Invitae), Labcorp
Classification: Uncertain significance for Hereditary breast ovarian cancer syndrome. Last evaluated: 2024-08-12. Review status: criteria provided, single submitter. Criteria: Invitae Variant Classification Sherloc (09022015). Collection method: clinical testing. Allele origin: germline.
Comment: This sequence change replaces proline, which is neutral and non-polar, with leucine, which is neutral and non-polar, at codon 1660 of the BRCA2 protein (p.Pro1660Leu). This variant is not present in population databases (gnomAD no frequency). This variant has not been reported in the literature in individuals affected with BRCA2-related conditions. ClinVar contains an entry for this variant (Variation ID: 37937). Advanced modeling of protein sequence and biophysical properties (such as structural, functional, and spatial information, amino acid conservation, physicochemical variation, residue mobility, and thermodynamic stability) performed at Invitae indicates that this missense variant is not expected to disrupt BRCA2 protein function with a negative predictive value of 95%. In summary, the available evidence is currently insufficient to determine the role of this variant in disease. Therefore, it has been classified as a Variant of Uncertain Significance.

Ambry Genetics
Classification: Uncertain significance for Hereditary cancer-predisposing syndrome. Last evaluated: 2024-05-22. Review status: criteria provided, single submitter. Criteria: Ambry Variant Classification Scheme 2023. Collection method: clinical testing. Allele origin: germline.
Comment: The p.P1660L variant (also known as c.4979C>T), located in coding exon 10 of the BRCA2 gene, results from a C to T substitution at nucleotide position 4979. The proline at codon 1660 is replaced by leucine, an amino acid with similar properties. This amino acid position is poorly conserved in available vertebrate species. In addition, this alteration is predicted to be tolerated by in silico analysis. Since supporting evidence is limited at this time, the clinical significance of this alteration remains unclear.

University of Washington Department of Laboratory Medicine, University of Washington
Classification: Likely benign for Hereditary cancer-predisposing syndrome. Last evaluated: 2023-03-23. Review status: criteria provided, single submitter. Criteria: Dines et al. (Genet Med. 2020). Collection method: curation. Allele origin: germline.
Comment: Missense variant in a coldspot region where missense variants are very unlikely to be pathogenic (PMID:31911673).

BRCA2 exon 11 coldspot. Reclassification based on statistical prior probability.

Sharing Clinical Reports Project (SCRP)
Classification: Uncertain significance for Breast-ovarian cancer, familial 2. Last evaluated: 2008-10-14. Review status: no assertion criteria provided. Collection method: clinical testing. Allele origin: germline. Not counted in ClinVar's aggregate classification.

NM_000059.4(BRCA2):c.4979C>T (p.Pro1660Leu)

Gene: BRCA2 (BRCA2 DNA repair associated; plus strand). Cytogenetic location: 13q13.1.
Variant type: single nucleotide variant.
Coding change: c.4979C>T on transcript NM_000059.4 (MANE Select); coding-DNA position 4979, C replaced by T.
Protein change: p.Pro1660Leu; replaces proline 1660 with leucine.
Molecular consequence: missense variant.
Genome position (GRCh38, 1-based): chr13:32,339,334, C>T. VCF-style: chr13-32339334-C-T. GRCh37 (hg19) VCF-style: chr13-32913471-C-T.
Other names: short protein forms P1660L.
Identifiers: ClinVar variation 37937 (VCV000037937.16), dbSNP rs397507345, ClinGen allele CA021095.